The following is an entry in ClinVar:

NM_000057.4(BLM):c.1678G>A (p.Asp560Asn)

Gene: BLM (BLM RecQ like helicase; plus strand). Cytogenetic location: 15q26.1.
Variant type: single nucleotide variant.
Coding change: c.1678G>A on transcript NM_000057.4 (MANE Select); coding-DNA position 1678, G replaced by A.
Protein change: p.Asp560Asn; replaces aspartic acid 560 with asparagine.
Molecular consequence: missense variant.
Genome position (GRCh38, 1-based): chr15:90,761,051, G>A. VCF-style: chr15-90761051-G-A. GRCh37 (hg19) VCF-style: chr15-91304281-G-A.
Other names: c.1678G>A (NM_000057.2); c.1678G>A, p.Asp560Asn (NM_001287246.2, NM_001287247.2); c.553G>A, p.Asp185Asn (NM_001287248.2); short protein forms D185N, D560N.
Identifiers: ClinVar variation 1405981 (VCV001405981.10), dbSNP rs746386524, ClinGen allele CA393843594.
Genomic context (GRCh38, chr15:90,761,051, plus strand): 5'-ATAAATGACTTAGAAAGAGAAACCCAACCTTCCTATGATATTGATAATTTTGACATAGAT[G>A]ACTTTGATGATGATGATGACTGGGAAGACATAATGCATAATTTAGCAGCCAGCAAATCTT-3'
Protein context (NP_000048.1, residues 550-570): SYDIDNFDID[Asp560Asn]FDDDDDWEDI

ClinVar aggregate classification (germline): Uncertain significance. Review status: criteria provided, multiple submitters, no conflicts (2 of 4 stars). 2 submissions from 2 submitters: Uncertain significance (2). Last evaluated 2024-05-11.

Conditions:
Bloom syndrome (BLM). Also called: Bloom-Torre-Machacek syndrome. Identifiers: Orphanet 125, MedGen C0005859, MONDO:0008876, OMIM 210900.
Hereditary cancer-predisposing syndrome. Also called: Hereditary neoplastic syndrome; Hereditary Cancer Syndrome; Neoplastic Syndromes, Hereditary; Tumor predisposition. Identifiers: Orphanet 140162, MedGen C0027672, MeSH D009386, MONDO:0015356.

Submissions (2):

Ambry Genetics
Classification: Uncertain significance for Hereditary cancer-predisposing syndrome. Last evaluated: 2024-05-11. Review status: criteria provided, single submitter. Criteria: Ambry Variant Classification Scheme 2023. Collection method: clinical testing. Allele origin: germline.
Comment: The p.D560N variant (also known as c.1678G>A), located in coding exon 6 of the BLM gene, results from a G to A substitution at nucleotide position 1678. The aspartic acid at codon 560 is replaced by asparagine, an amino acid with highly similar properties. This amino acid position is conserved. In addition, this alteration is predicted to be tolerated by in silico analysis. Based on the available evidence, the clinical significance of this variant remains unclear.

Labcorp Genetics (formerly Invitae), Labcorp
Classification: Uncertain significance for Bloom syndrome. Last evaluated: 2023-11-25. Review status: criteria provided, single submitter. Criteria: Invitae Variant Classification Sherloc (09022015). Collection method: clinical testing. Allele origin: germline.
Comment: This sequence change replaces aspartic acid, which is acidic and polar, with asparagine, which is neutral and polar, at codon 560 of the BLM protein (p.Asp560Asn). This variant is not present in population databases (gnomAD no frequency). This variant has not been reported in the literature in individuals affected with BLM-related conditions. ClinVar contains an entry for this variant (Variation ID: 1405981). Advanced modeling of protein sequence and biophysical properties (such as structural, functional, and spatial information, amino acid conservation, physicochemical variation, residue mobility, and thermodynamic stability) performed at Invitae indicates that this missense variant is not expected to disrupt BLM protein function with a negative predictive value of 80%. In summary, the available evidence is currently insufficient to determine the role of this variant in disease. Therefore, it has been classified as a Variant of Uncertain Significance.